The following is an entry in ClinVar:

ClinVar aggregate classification (germline): Benign. Review status: criteria provided, multiple submitters, no conflicts (2 of 4 stars). 7 submissions from 5 submitters: Benign (7). Last evaluated 2026-01-30.

Conditions:
Rabson-Mendenhall syndrome. Also called: Pineal Hyperplasia, Insulin-Resistant Diabetes Mellitus, and Somatic Abnormalities; MENDENHALL SYNDROME; Pineal hyperplasia AND diabetes mellitus syndrome. Identifiers: Orphanet 769, MedGen C0271695, MONDO:0009874, OMIM 262190.
Leprechaunism syndrome. Also called: LEPRECHAUNISM; Donohue syndrome. Identifiers: Orphanet 508, MedGen C0265344, MONDO:0009517, OMIM 246200.
Insulin-resistant diabetes mellitus AND acanthosis nigricans. Also called: type A insulin resistance; DIABETES MELLITUS, INSULIN-RESISTANT, WITH ACANTHOSIS NIGRICANS, TYPE A; INSULIN RECEPTOR, DEFECT IN, WITH INSULIN-RESISTANT DIABETES MELLITUS AND ACANTHOSIS NIGRICANS; IRAN, TYPE A; Insulin-resistance syndrome type A. Identifiers: Orphanet 2297, MedGen C0342278, MONDO:0012520, OMIM 610549.

Allele frequency attached by ClinVar (database versions not stated): 1000 Genomes Project 30x 0.01655; 1000 Genomes Project 0.01657; TOPMed 0.04310; gnomAD 0.04591 and 0.04745; ExAC 0.05015; gnomAD exomes 0.05048 and 0.06149; ESP Exome Variant Server 0.05182.
gnomAD v4.1: 96,691 of 1,613,762 alleles (6%); highest among the groups gnomAD compares: Middle Eastern, 9.5%; 3,409 homozygotes.

Submissions (7):

Labcorp Genetics (formerly Invitae), Labcorp
Classification: Benign. Last evaluated: 2026-01-30. Review status: criteria provided, single submitter. Criteria: Invitae Variant Classification Sherloc (09022015). Collection method: clinical testing. Allele origin: germline.

Blueprint Genetics
Classification: Benign. Last evaluated: 2024-11-28. Review status: criteria provided, single submitter. Criteria: ACMG Guidelines, 2015. Collection method: clinical testing. Allele origin: germline.

ARUP Laboratories, Molecular Genetics and Genomics, ARUP Laboratories
Classification: Benign. Last evaluated: 2019-05-01. Review status: criteria provided, single submitter. Criteria: ARUP Molecular Germline Variant Investigation Process. Collection method: clinical testing. Allele origin: germline.

Illumina Laboratory Services, Illumina
Classification: Benign for Insulin-resistant diabetes mellitus AND acanthosis nigricans. Last evaluated: 2018-01-12. Review status: criteria provided, single submitter. Criteria: ICSL Variant Classification Criteria 13 December 2019. Collection method: clinical testing. Allele origin: germline.
Comment: This variant was observed in the ICSL laboratory as part of a predisposition screen in an ostensibly healthy population. It had not been previously curated by ICSL or reported in the Human Gene Mutation Database (HGMD: prior to June 1st, 2018), and was therefore a candidate for classification through an automated scoring system. Utilizing variant allele frequency, disease prevalence and penetrance estimates, and inheritance mode, an automated score was calculated to assess if this variant is too frequent to cause the disease. Based on the score and internal cut-off values, a variant classified as benign is not then subjected to further curation. The score for this variant resulted in a classification of benign for this disease.

Illumina Laboratory Services, Illumina
Classification: Benign for Leprechaunism syndrome. Last evaluated: 2018-01-12. Review status: criteria provided, single submitter. Criteria: ICSL Variant Classification Criteria 13 December 2019. Collection method: clinical testing. Allele origin: germline.
Comment: the same text as in the submission from Illumina Laboratory Services, Illumina above.

Illumina Laboratory Services, Illumina
Classification: Benign for Rabson-Mendenhall syndrome. Last evaluated: 2018-01-12. Review status: criteria provided, single submitter. Criteria: ICSL Variant Classification Criteria 13 December 2019. Collection method: clinical testing. Allele origin: germline.
Comment: the same text as in the submission from Illumina Laboratory Services, Illumina above.

Breakthrough Genomics
Classification: Benign. Review status: criteria provided, single submitter. Criteria: ACMG Guidelines, 2015. Collection method: not provided. Allele origin: germline. Inheritance: Autosomal recessive inheritance. Affected: yes.

NM_000208.4(INSR):c.3033C>T (p.Tyr1011=)

Gene: INSR (insulin receptor; minus strand). Cytogenetic location: 19p13.2.
Variant type: single nucleotide variant.
Coding change: c.3033C>T on transcript NM_000208.4 (MANE Select); coding-DNA position 3033, C replaced by T.
Protein change: p.Tyr1011=; no amino-acid change (tyrosine 1011 retained).
Molecular consequence: synonymous variant.
Genome position (GRCh38, 1-based): chr19:7,125,508, G>A on the plus strand (C>T on the coding strand, the complement: INSR is on the minus strand). VCF-style: chr19-7125508-G-A. GRCh37 (hg19) VCF-style: chr19-7125519-G-A.
Other names: c.2997C>T, p.Tyr999= (NM_001079817.3).
Identifiers: ClinVar variation 330447 (VCV000330447.21), dbSNP rs1799815, ClinGen allele CA9135372.